The following is an entry in ClinVar:

ClinVar aggregate classification (germline): Likely pathogenic (1 of 4 stars; one submission).

Conditions:
Alstrom syndrome (ALMS). Identifiers: Orphanet 64, MedGen C0268425, MONDO:0008763, OMIM 203800.

gnomAD v4.1: 1 of 1,614,214 alleles (0.000062%); highest among the groups gnomAD compares: East Asian, 0.0022%; no homozygotes.

Submission:

Natera, Inc.
Classification: Likely pathogenic for Alstrom syndrome. Last evaluated: 2025-05-02. Review status: criteria provided, single submitter. Criteria: Natera Variant Classification Schema (03/2026). Collection method: clinical testing. Allele origin: germline.
Comment: The c.9092T>G variant in ALMS1 is a nonsense variant predicted to introduce a stop codon at amino acid 3031. This variant is expected to result in nonsense mediated decay, truncation, or a dysfunctional protein product. This variant is rare in the general population with a frequency below the threshold expected for the associated phenotype(s). Given the available evidence, this variant is classified as Likely Pathogenic.

NM_001378454.1(ALMS1):c.9089T>G (p.Leu3030Ter)

Gene: ALMS1 (ALMS1 centrosome and basal body associated protein; plus strand). Cytogenetic location: 2p13.1.
Variant type: single nucleotide variant.
Coding change: c.9089T>G on transcript NM_001378454.1 (MANE Select); coding-DNA position 9089, T replaced by G.
Protein change: p.Leu3030Ter; replaces leucine 3030 with a stop codon.
Molecular consequence: nonsense.
Genome position (GRCh38, 1-based): chr2:73,491,048, T>G. VCF-style: chr2-73491048-T-G. GRCh37 (hg19) VCF-style: chr2-73718175-T-G.
Other names: c.9092T>G, p.Leu3031Ter (NM_015120.4); short protein forms L3030*, L3031*.
Identifiers: ClinVar variation 4815808 (VCV004815808.1).
Genomic context (GRCh38, chr2:73,491,048, plus strand): 5'-TAAATGTTGAAGCCAAGTTCAATACTGTGGTCTCCCAGTCAGCCCCAAATCACTGTACAT[T>G]AGCAGCATCTGCATCTACTCCTCCTTCAAATAGAAAAGCACTTTCTTGTGTTCATATAAC-3'